The following is an entry in ClinVar:

ClinVar aggregate classification (germline): Uncertain significance (1 of 4 stars; one submission).

Conditions:
VPS13A-related neurodegenerative disease. Also called: Choreoacanthocytosis; Chorea-acanthocytosis; LEVINE-CRITCHLEY SYNDROME; VPS13A Disease; Choreaacanthocytosis; ACANTHOCYTOSIS WITH NEUROLOGIC DISORDER. Identifiers: Orphanet 2388, MedGen C0393576, MONDO:0008695, OMIM 200150.

Submission:

Myriad Genetics, Inc.
Classification: Uncertain significance for VPS13A-related neurodegenerative disease. Last evaluated: 2026-05-04. Review status: criteria provided, single submitter. Criteria: Myriad Autosomal Dominant, Autosomal Recessive and X-Linked Classification Criteria (2023). Collection method: clinical testing. Allele origin: unknown.
Comment: NM_033305.2(VPS13A):c.9066_9069delGGGAinsCGGG(Q3022H) is a missense variant classified as a variant of uncertain significance in the context of VPS13A disease. Q3022H has not been observed in cases with relevant disease. Relevant functional assessments of this variant are not available in the literature. Q3022H has not been observed in referenced population frequency databases. In summary, there is insufficient evidence to classify NM_033305.2(VPS13A):c.9066_9069delGGGAinsCGGG(Q3022H) as pathogenic or benign. Please note: this variant was assessed in the context of healthy population screening.

NM_033305.3(VPS13A):c.9066_9069delinsCGGG (p.Gln3022His)

Gene: VPS13A (vacuolar protein sorting 13 homolog A; plus strand). Cytogenetic location: 9q21.2.
Variant type: Indel.
Coding change: c.9066_9069delinsCGGG on transcript NM_033305.3 (MANE Select); coding-DNA positions 9066 to 9069, GGGA replaced by CGGG.
Protein change: p.Gln3022His; replaces glutamine 3022 with histidine.
Molecular consequence: missense variant.
Genome position (GRCh38, 1-based): chr9:77,371,138-77,371,141, GGGA replaced by CGGG. VCF-style: chr9-77371138-GGGA-CGGG. GRCh37 (hg19) VCF-style: chr9-79986054-GGGA-CGGG.
Other names: c.8949_8952delinsCGGG, p.Gln2983His (NM_001018037.2); c.9066_9069delinsCGGG, p.Gln3022His (NM_001018038.3, NM_015186.4); short protein forms Q2983H, Q3022H.
Identifiers: ClinVar variation 5004641 (VCV005004641.1).